The following is an entry in ClinVar:

NM_001142864.4(PIEZO1):c.5826A>G (p.Leu1942=)

Gene: PIEZO1 (piezo type mechanosensitive ion channel component 1 (Er blood group); minus strand). Cytogenetic location: 16q24.3.
Variant type: single nucleotide variant.
Coding change: c.5826A>G on transcript NM_001142864.4 (MANE Select); coding-DNA position 5826, A replaced by G.
Protein change: p.Leu1942=; no amino-acid change (leucine 1942 retained).
Molecular consequence: synonymous variant.
Genome position (GRCh38, 1-based): chr16:88,720,508, T>C on the plus strand (A>G on the coding strand, the complement: PIEZO1 is on the minus strand). VCF-style: chr16-88720508-T-C. GRCh37 (hg19) VCF-style: chr16-88786916-T-C.
Other names: c.4368A>G, p.Leu1456= (NM_014745.1).
Identifiers: ClinVar variation 3031361 (VCV003031361.2), dbSNP rs371899450, ClinGen allele CA8231760.

ClinVar aggregate classification (germline): Likely benign (0 of 4 stars; one submission).

Conditions:
PIEZO1-related disorder. Also called: PIEZO1-Related Disorders; PIEZO1-related condition.

Allele frequency attached by ClinVar (database versions not stated): gnomAD exomes 0.00001; gnomAD 0.00002; TOPMed 0.00003; ExAC 0.00005; ESP Exome Variant Server 0.00022.
gnomAD v4.1: 10 of 1,550,078 alleles (0.00065%); highest among the groups gnomAD compares: Non-Finnish European, 0.00087%; no homozygotes.

Submission:

PreventionGenetics, part of Exact Sciences
Classification: Likely benign for PIEZO1-related condition. Last evaluated: 2021-04-19. Review status: no assertion criteria provided. Collection method: clinical testing. Allele origin: germline.
Comment: This variant is classified as likely benign based on ACMG/AMP sequence variant interpretation guidelines (Richards et al. 2015 PMID: 25741868, with internal and published modifications).